The following is an entry in ClinVar:

NM_006206.6(PDGFRA):c.1038G>C (p.Arg346Ser)

Gene: PDGFRA (platelet derived growth factor receptor alpha; plus strand). Cytogenetic location: 4q12.
Variant type: single nucleotide variant.
Coding change: c.1038G>C on transcript NM_006206.6 (MANE Select); coding-DNA position 1038, G replaced by C.
Protein change: p.Arg346Ser; replaces arginine 346 with serine.
Molecular consequence: missense variant.
Genome position (GRCh38, 1-based): chr4:54,267,658, G>C. VCF-style: chr4-54267658-G-C. GRCh37 (hg19) VCF-style: chr4-55133825-G-C.
Other names: c.1038G>C, p.Arg346Ser (NM_001347827.2, NM_001347829.2); c.1113G>C, p.Arg371Ser (NM_001347828.2); c.1077G>C, p.Arg359Ser (NM_001347830.2); short protein forms R359S, R346S, R371S.
Identifiers: ClinVar variation 2807584 (VCV002807584.3), dbSNP rs1308423101, ClinGen allele CA356891658.

ClinVar aggregate classification (germline): Uncertain significance (1 of 4 stars; one submission).

Conditions:
Gastrointestinal stromal tumor. Also called: Gastrointestinal stromal tumor, somatic; Gastrointestinal stroma tumor. Identifiers: Orphanet 44890, MedGen C0238198, MeSH D046152, MONDO:0011719, OMIM 606764, HP:0100723.

Allele frequency attached by ClinVar (database versions not stated): gnomAD exomes below 0.00001.
gnomAD v4.1: 1 of 1,614,078 alleles (0.000062%); highest among the groups gnomAD compares: Middle Eastern, 0.017%; no homozygotes.

Submission:

Labcorp Genetics (formerly Invitae), Labcorp
Classification: Uncertain significance for Gastrointestinal stromal tumor. Last evaluated: 2024-04-10. Review status: criteria provided, single submitter. Criteria: Invitae Variant Classification Sherloc (09022015). Collection method: clinical testing. Allele origin: germline.
Comment: This sequence change replaces arginine, which is basic and polar, with serine, which is neutral and polar, at codon 346 of the PDGFRA protein (p.Arg346Ser). This variant is not present in population databases (gnomAD no frequency). This variant has not been reported in the literature in individuals affected with PDGFRA-related conditions. Advanced modeling of protein sequence and biophysical properties (such as structural, functional, and spatial information, amino acid conservation, physicochemical variation, residue mobility, and thermodynamic stability) performed at Invitae indicates that this missense variant is not expected to disrupt PDGFRA protein function with a negative predictive value of 80%. In summary, the available evidence is currently insufficient to determine the role of this variant in disease. Therefore, it has been classified as a Variant of Uncertain Significance.